The following is an entry in ClinVar:

NM_138348.6(OTULIN):c.892G>A (p.Val298Met)

Gene: OTULIN (OTU deubiquitinase with linear linkage specificity; plus strand). Cytogenetic location: 5p15.2.
Variant type: single nucleotide variant.
Coding change: c.892G>A on transcript NM_138348.6 (MANE Select); coding-DNA position 892, G replaced by A.
Protein change: p.Val298Met; replaces valine 298 with methionine.
Molecular consequence: missense variant.
Genome position (GRCh38, 1-based): chr5:14,692,881, G>A. VCF-style: chr5-14692881-G-A. GRCh37 (hg19) VCF-style: chr5-14692990-G-A.
Other names: short protein forms V298M.
Identifiers: ClinVar variation 1363803 (VCV001363803.6), dbSNP rs375862814, ClinGen allele CA114014331.

ClinVar aggregate classification (germline): Uncertain significance (1 of 4 stars; one submission).

Allele frequency attached by ClinVar (database versions not stated): gnomAD exomes below 0.00001; gnomAD 0.00003 and 0.00004; TOPMed 0.00004; ESP Exome Variant Server 0.00008.

Submission:

Labcorp Genetics (formerly Invitae), Labcorp
Classification: Uncertain significance. Last evaluated: 2025-10-20. Review status: criteria provided, single submitter. Criteria: Invitae Variant Classification Sherloc (09022015). Collection method: clinical testing. Allele origin: germline.
Comment: This sequence change replaces valine, which is neutral and non-polar, with methionine, which is neutral and non-polar, at codon 298 of the OTULIN protein (p.Val298Met). This variant is present in population databases (rs375862814, gnomAD 0.0009%). This variant has not been reported in the literature in individuals affected with OTULIN-related conditions. ClinVar contains an entry for this variant (Variation ID: 1363803). Invitae Evidence Modeling of protein sequence and biophysical properties (such as structural, functional, and spatial information, amino acid conservation, physicochemical variation, residue mobility, and thermodynamic stability) indicates that this missense variant is not expected to disrupt OTULIN protein function with a negative predictive value of 80%. In summary, the available evidence is currently insufficient to determine the role of this variant in disease. Therefore, it has been classified as a Variant of Uncertain Significance.